The following is an entry in ClinVar:

ClinVar aggregate classification (germline): Likely benign. Review status: criteria provided, multiple submitters, no conflicts (2 of 4 stars). 7 submissions from 7 submitters: Likely benign (6). 1 of the submissions does not count toward it. Last evaluated 2026-09-01.

Conditions:
Inborn genetic diseases. Identifiers: MedGen C0950123, MeSH D030342.
Nicolaides-Baraitser syndrome (NCBRS). Also called: Intellectual disability-sparse hair-brachydactyly syndrome; SMARCA2-Related Nicolaides-Baraitser Syndrome. Identifiers: Orphanet 3051, MedGen C1303073, MONDO:0011053, OMIM 601358.
SMARCA2-related disorder. Also called: SMARCA2-related condition.

Allele frequency attached by ClinVar (database versions not stated): 1000 Genomes Project 30x 0.00016; 1000 Genomes Project 0.00020; TOPMed 0.00024; ESP Exome Variant Server 0.00031.
gnomAD v4.1: 576 of 1,613,984 alleles (0.036%); highest among the groups gnomAD compares: Non-Finnish European, 0.044%; 1 homozygote.

Submissions (7):

CeGaT Center for Human Genetics Tuebingen
Classification: Likely benign. Last evaluated: 2026-09-01. Review status: criteria provided, single submitter. Criteria: CeGaT Center For Human Genetics Tuebingen Variant Classification Criteria Version 2. Collection method: clinical testing. Allele origin: germline. Affected: yes. Observed: 2 variant alleles.
Comment: SMARCA2: BP4, BP7

Labcorp Genetics (formerly Invitae), Labcorp
Classification: Likely benign. Last evaluated: 2025-12-22. Review status: criteria provided, single submitter. Criteria: Invitae Variant Classification Sherloc (09022015). Collection method: clinical testing. Allele origin: germline.

ARUP Laboratories, Molecular Genetics and Genomics, ARUP Laboratories
Classification: Likely benign. Last evaluated: 2024-04-10. Review status: criteria provided, single submitter. Criteria: ARUP Molecular Germline Variant Investigation Process 2024. Collection method: clinical testing. Allele origin: germline.

Illumina Laboratory Services, Illumina
Classification: Likely benign for Nicolaides-Baraitser syndrome. Last evaluated: 2018-01-13. Review status: criteria provided, single submitter. Criteria: ICSL Variant Classification Criteria 13 December 2019. Collection method: clinical testing. Allele origin: germline.
Comment: This variant was observed in the ICSL laboratory as part of a predisposition screen in an ostensibly healthy population. It had not been previously curated by ICSL or reported in the Human Gene Mutation Database (HGMD: prior to June 1st, 2018), and was therefore a candidate for classification through an automated scoring system. Utilizing variant allele frequency, disease prevalence and penetrance estimates, and inheritance mode, an automated score was calculated to assess if this variant is too frequent to cause the disease. Based on the score and internal cut-off values, a variant classified as likely benign is not then subjected to further curation. The score for this variant resulted in a classification of likely benign for this disease.

Ambry Genetics
Classification: Likely benign for Inborn genetic diseases. Last evaluated: 2017-09-27. Review status: criteria provided, single submitter. Criteria: Ambry Variant Classification Scheme 2023. Collection method: clinical testing. Allele origin: germline.

Breakthrough Genomics
Classification: Likely benign. Review status: criteria provided, single submitter. Criteria: ACMG Guidelines, 2015. Collection method: not provided. Allele origin: germline. Inheritance: Autosomal dominant inheritance. Affected: yes.

PreventionGenetics, part of Exact Sciences
Classification: Likely benign for SMARCA2-related condition. Last evaluated: 2024-06-08. Review status: no assertion criteria provided. Collection method: clinical testing. Allele origin: germline. Not counted in ClinVar's aggregate classification.
Comment: This variant is classified as likely benign based on ACMG/AMP sequence variant interpretation guidelines (Richards et al. 2015 PMID: 25741868, with internal and published modifications).

NM_003070.5(SMARCA2):c.4029T>A (p.Leu1343=)

Gene: SMARCA2 (SWI/SNF related BAF chromatin remodeling complex subunit ATPase 2; plus strand). Cytogenetic location: 9p24.3.
Variant type: single nucleotide variant.
Coding change: c.4029T>A on transcript NM_003070.5 (MANE Select); coding-DNA position 4029, T replaced by A.
Protein change: p.Leu1343=; no amino-acid change (leucine 1343 retained).
Molecular consequence: synonymous variant.
Genome position (GRCh38, 1-based): chr9:2,161,733, T>A. VCF-style: chr9-2161733-T-A. GRCh37 (hg19) VCF-style: chr9-2161733-T-A.
Other names: c.4029T>A (NM_003070.4); c.4029T>A, p.Leu1343= (NM_001289396.2, NM_139045.4); c.3855T>A, p.Leu1285= (NM_001289397.2); c.57T>A, p.Leu19= (NM_001289398.2); c.141T>A, p.Leu47= (NM_001289399.2); c.147T>A, p.Leu49= (NM_001289400.2).
Identifiers: ClinVar variation 366230 (VCV000366230.15), dbSNP rs150227062, ClinGen allele CA4963997.